The following is an entry in ClinVar:

ClinVar aggregate classification (germline): Uncertain significance (1 of 4 stars; one submission).

Submission:

Ambry Genetics
Classification: Uncertain significance. Last evaluated: 2024-11-26. Review status: criteria provided, single submitter. Criteria: Ambry Variant Classification Scheme 2023. Collection method: clinical testing. Allele origin: germline.
Comment: The p.D1296Y variant (also known as c.3886G>T), located in coding exon 8 of the MLH3 gene, results from a G to T substitution at nucleotide position 3886. The aspartic acid at codon 1296 is replaced by tyrosine, an amino acid with highly dissimilar properties. This amino acid position is conserved. In addition, the in silico prediction for this alteration is inconclusive. Based on the available evidence, the clinical significance of this variant remains unclear.

NM_001040108.2(MLH3):c.3886G>T (p.Asp1296Tyr)

Gene: MLH3 (mutL homolog 3; minus strand). Cytogenetic location: 14q24.3.
Variant type: single nucleotide variant.
Coding change: c.3886G>T on transcript NM_001040108.2 (MANE Select); coding-DNA position 3886, G replaced by T.
Protein change: p.Asp1296Tyr; replaces aspartic acid 1296 with tyrosine.
Molecular consequence: missense variant.
Genome position (GRCh38, 1-based): chr14:75,030,644, C>A on the plus strand (G>T on the coding strand, the complement: MLH3 is on the minus strand). VCF-style: chr14-75030644-C-A. GRCh37 (hg19) VCF-style: chr14-75497347-C-A.
Other names: c.3814G>T, p.Asp1272Tyr (NM_014381.3); short protein forms D1272Y, D1296Y.
Identifiers: ClinVar variation 3396781 (VCV003396781.1).